The following is an entry in ClinVar:

ClinVar aggregate classification (germline): Pathogenic/Likely pathogenic. Review status: criteria provided, multiple submitters, no conflicts (2 of 4 stars). 2 submissions from 2 submitters: Pathogenic (1); Likely pathogenic (1). Last evaluated 2025-11-05.

Conditions:
ALG6-congenital disorder of glycosylation 1C (CDG1C). Also called: CDG Ic; CARBOHYDRATE-DEFICIENT GLYCOPROTEIN SYNDROME, TYPE I, WITH DEFICIENT GLYCOSYLATION OF DOLICHOL-LINKED OLIGOSACCHARIDE; CARBOHYDRATE-DEFICIENT GLYCOPROTEIN SYNDROME, TYPE V; Congenital disorder of glycosylation type 1C; Congenital disorder of glycosylation, type Ic. Identifiers: Orphanet 79320, MedGen C2930997, MONDO:0011291, OMIM 603147.

gnomAD v4.1: 2 of 1,614,046 alleles (0.00012%); highest among the groups gnomAD compares: Non-Finnish European, 0.00017%; no homozygotes.

Submissions (2):

Labcorp Genetics (formerly Invitae), Labcorp
Classification: Pathogenic for ALG6-congenital disorder of glycosylation 1C. Last evaluated: 2025-11-05. Review status: criteria provided, single submitter. Criteria: Invitae Variant Classification Sherloc (09022015). Collection method: clinical testing. Allele origin: germline.
Comment: This sequence change creates a premature translational stop signal (p.Glu46*) in the ALG6 gene. It is expected to result in an absent or disrupted protein product. Loss-of-function variants in ALG6 are known to be pathogenic (PMID: 19862844). This variant is not present in population databases (gnomAD no frequency). This variant has not been reported in the literature in individuals affected with ALG6-related conditions. ClinVar contains an entry for this variant (Variation ID: 4057465). For these reasons, this variant has been classified as Pathogenic.

Natera, Inc.
Classification: Likely pathogenic for Congenital disorder of glycosylation type 1c. Last evaluated: 2025-03-20. Review status: criteria provided, single submitter. Criteria: Natera Variant Classification Schema (03/2026). Collection method: clinical testing. Allele origin: germline.
Comment: The c.136G>T variant in ALG6 is a nonsense variant predicted to introduce a stop codon at amino acid 46. This variant is expected to result in nonsense mediated decay, truncation, or a dysfunctional protein product. This variant is rare in the general population with a frequency below the threshold expected for the associated phenotype(s). Given the available evidence, this variant is classified as Likely Pathogenic.

Literature cited by the submitters: PubMed 19862844 (cited by Labcorp Genetics (formerly Invitae), Labcorp).

NM_013339.4(ALG6):c.136G>T (p.Glu46Ter)

Gene: ALG6 (ALG6 alpha-1,3-glucosyltransferase; plus strand). Cytogenetic location: 1p31.3.
Variant type: single nucleotide variant.
Coding change: c.136G>T on transcript NM_013339.4 (MANE Select); coding-DNA position 136, G replaced by T.
Protein change: p.Glu46Ter; replaces glutamic acid 46 with a stop codon.
Molecular consequence: nonsense.
Genome position (GRCh38, 1-based): chr1:63,396,566, G>T. VCF-style: chr1-63396566-G-T. GRCh37 (hg19) VCF-style: chr1-63862237-G-T.
Other names: short protein forms E46*.
Identifiers: ClinVar variation 4057465 (VCV004057465.3).
Genomic context (GRCh38, chr1:63,396,566, plus strand): 5'-ATCTTAGGTGCTGGTAAACCGCCTATGTTTGGTGATTATGAAGCTCAGAGACACTGGCAA[G>T]AAATAACTTTTAATTTACCGGTCAAACAATGGTATGATAATTTTAACTTGTTTTTCTTGT-3'